The following is an entry in ClinVar:

NM_000135.4(FANCA):c.3152T>C (p.Ile1051Thr)

Gene: FANCA (FA complementation group A; minus strand). Cytogenetic location: 16q24.3.
Variant type: single nucleotide variant.
Coding change: c.3152T>C on transcript NM_000135.4 (MANE Select); coding-DNA position 3152, T replaced by C.
Protein change: p.Ile1051Thr; replaces isoleucine 1051 with threonine.
Molecular consequence: missense variant.
Genome position (GRCh38, 1-based): chr16:89,749,817, A>G on the plus strand (T>C on the coding strand, the complement: FANCA is on the minus strand). VCF-style: chr16-89749817-A-G. GRCh37 (hg19) VCF-style: chr16-89816225-A-G.
Other names: c.3152T>C, p.Ile1051Thr (NM_001286167.3); short protein forms I1051T.
Identifiers: ClinVar variation 3581474 (VCV003581474.2).
Genomic context (GRCh38, chr16:89,749,817, plus strand): 5'-CTCTGAAGGCTGGCAGCCACGCTCCACCCGCTTGTCAGAGCCTGGAGCCGTCTGCGGAAA[A>G]TCTCAAAGAGGAAGTGCTCCTGGGAAGGGGTGTGGCCGAGAGGCACTATGAGGTCTTGCT-3'
Protein context (NP_000126.2, residues 1041-1061): TPSQEHFLFE[Ile1051Thr]FRRRLQALTS

ClinVar aggregate classification (germline): Uncertain significance. Review status: criteria provided, multiple submitters, no conflicts (2 of 4 stars). 2 submissions from 2 submitters: Uncertain significance (2). Last evaluated 2025-10-26.

Conditions:
Inborn genetic diseases. Identifiers: MedGen C0950123, MeSH D030342.
Fanconi anemia complementation group A (FANCA). Also called: FANCA-Related Fanconi Anemia; Fanconi anemia, group A. Identifiers: Orphanet 84, MedGen C3469521, MONDO:0009215, OMIM 227650.

Submissions (2):

Ambry Genetics
Classification: Uncertain significance for Inborn genetic diseases. Last evaluated: 2025-10-26. Review status: criteria provided, single submitter. Criteria: Ambry Variant Classification Scheme 2023. Collection method: clinical testing. Allele origin: germline.
Comment: The p.I1051T variant (also known as c.3152T>C), located in coding exon 32 of the FANCA gene, results from a T to C substitution at nucleotide position 3152. The isoleucine at codon 1051 is replaced by threonine, an amino acid with similar properties. This amino acid position is conserved. In addition, this alteration is predicted to be tolerated by in silico analysis. Based on the available evidence, the clinical significance of this variant remains unclear.

Fulgent Genetics
Classification: Uncertain significance for Fanconi anemia complementation group A. Last evaluated: 2024-02-10. Review status: criteria provided, single submitter. Criteria: ACMG Guidelines, 2015. Collection method: clinical testing. Allele origin: germline.